The following is an entry in ClinVar:

ClinVar aggregate classification (germline): Pathogenic (1 of 4 stars; one submission).

Submission:

GeneDx
Classification: Pathogenic. Last evaluated: 2025-04-18. Review status: criteria provided, single submitter. Criteria: GeneDx Variant Classification Process June 2021. Collection method: clinical testing. Allele origin: germline. Affected: yes.
Comment: Not observed at significant frequency in large population cohorts (gnomAD); In silico analysis supports that this missense variant has a deleterious effect on protein structure/function; This variant is associated with the following publications: (PMID: 35982159, 33528536, 33057194)

NM_018684.4(ZC4H2):c.200G>A (p.Arg67Gln)

Gene: ZC4H2 (zinc finger C4H2-type containing; minus strand). Cytogenetic location: Xq11.2.
Variant type: single nucleotide variant.
Coding change: c.200G>A on transcript NM_018684.4 (MANE Select); coding-DNA position 200, G replaced by A.
Protein change: p.Arg67Gln; replaces arginine 67 with glutamine.
Molecular consequence: missense variant. On other transcripts: non-coding transcript variant (1).
Genome position (GRCh38, 1-based): chrX:64,921,842, C>T on the plus strand (G>A on the coding strand, the complement: ZC4H2 is on the minus strand). VCF-style: chrX-64921842-C-T. GRCh37 (hg19) VCF-style: chrX-64141722-C-T.
Other names: c.131G>A, p.Arg44Gln (NM_001178032.3, NM_001243804.2); c.200G>A, p.Arg67Gln (NM_001178033.3); short protein forms R67Q, R44Q.
Identifiers: ClinVar variation 422280 (VCV000422280.6), dbSNP rs1064795680, ClinGen allele CA16621460.